The following is an entry in ClinVar:

NM_006206.6(PDGFRA):c.3040G>C (p.Ala1014Pro)

Gene: PDGFRA (platelet derived growth factor receptor alpha; plus strand). Cytogenetic location: 4q12.
Variant type: single nucleotide variant.
Coding change: c.3040G>C on transcript NM_006206.6 (MANE Select); coding-DNA position 3040, G replaced by C.
Protein change: p.Ala1014Pro; replaces alanine 1014 with proline.
Molecular consequence: missense variant.
Genome position (GRCh38, 1-based): chr4:54,290,472, G>C. VCF-style: chr4-54290472-G-C. GRCh37 (hg19) VCF-style: chr4-55156639-G-C.
Other names: c.3115G>C, p.Ala1039Pro (NM_001347828.2); c.3040G>C, p.Ala1014Pro (NM_001347829.2); c.3079G>C, p.Ala1027Pro (NM_001347830.2); short protein forms A1014P, A1027P, A1039P.
Identifiers: ClinVar variation 643560 (VCV000643560.9), dbSNP rs768291477, ClinGen allele CA356896250.

ClinVar aggregate classification (germline): Uncertain significance (1 of 4 stars; one submission).

Conditions:
Gastrointestinal stromal tumor. Also called: Gastrointestinal stromal tumor, somatic; Gastrointestinal stroma tumor. Identifiers: Orphanet 44890, MedGen C0238198, MeSH D046152, MONDO:0011719, OMIM 606764, HP:0100723.

Submission:

Labcorp Genetics (formerly Invitae), Labcorp
Classification: Uncertain significance for Gastrointestinal stromal tumor. Last evaluated: 2025-06-29. Review status: criteria provided, single submitter. Criteria: Invitae Variant Classification Sherloc (09022015). Collection method: clinical testing. Allele origin: germline.
Comment: This sequence change replaces alanine, which is neutral and non-polar, with proline, which is neutral and non-polar, at codon 1014 of the PDGFRA protein (p.Ala1014Pro). This variant is not present in population databases (gnomAD no frequency). This variant has not been reported in the literature in individuals affected with PDGFRA-related conditions. ClinVar contains an entry for this variant (Variation ID: 643560). Invitae Evidence Modeling of protein sequence and biophysical properties (such as structural, functional, and spatial information, amino acid conservation, physicochemical variation, residue mobility, and thermodynamic stability) indicates that this missense variant is not expected to disrupt PDGFRA protein function with a negative predictive value of 80%. In summary, the available evidence is currently insufficient to determine the role of this variant in disease. Therefore, it has been classified as a Variant of Uncertain Significance.